The following is an entry in ClinVar:

NM_006767.4(LZTR1):c.274C>A (p.Leu92Ile)

Gene: LZTR1 (leucine zipper like post translational regulator 1; plus strand). Cytogenetic location: 22q11.21.
Variant type: single nucleotide variant.
Coding change: c.274C>A on transcript NM_006767.4 (MANE Select); coding-DNA position 274, C replaced by A.
Protein change: p.Leu92Ile; replaces leucine 92 with isoleucine.
Molecular consequence: missense variant.
Genome position (GRCh38, 1-based): chr22:20,985,851, C>A. VCF-style: chr22-20985851-C-A. GRCh37 (hg19) VCF-style: chr22-21340140-C-A.
Other names: short protein forms L92I.
Identifiers: ClinVar variation 2691252 (VCV002691252.2), dbSNP rs2518610605, ClinGen allele CA410778805.

ClinVar aggregate classification (germline): Uncertain significance. Review status: criteria provided, multiple submitters, no conflicts (2 of 4 stars). 2 submissions from 2 submitters: Uncertain significance (2). Last evaluated 2025-07-07.

Conditions:
Cardiovascular phenotype. Identifiers: MedGen CN230736.
Hereditary cancer-predisposing syndrome. Also called: Neoplastic Syndromes, Hereditary; Hereditary Cancer Syndrome; Tumor predisposition; Hereditary neoplastic syndrome. Identifiers: Orphanet 140162, MedGen C0027672, MeSH D009386, MONDO:0015356.
Noonan syndrome 10 (NS10). Identifiers: Orphanet 648, MedGen C4225280, MONDO:0014693, OMIM 616564.

Submissions (2):

Ambry Genetics
Classification: Uncertain significance for Cardiovascular phenotype; Hereditary cancer-predisposing syndrome. Last evaluated: 2025-07-07. Review status: criteria provided, single submitter. Criteria: Ambry Variant Classification Scheme 2023. Collection method: clinical testing. Allele origin: germline.
Comment: The p.L92I variant (also known as c.274C>A), located in coding exon 3 of the LZTR1 gene, results from a C to A substitution at nucleotide position 274. The leucine at codon 92 is replaced by isoleucine, an amino acid with highly similar properties. This amino acid position is conserved. In addition, this alteration is predicted to be tolerated by in silico analysis. Based on the available evidence, the clinical significance of this variant remains unclear.

Institute of Human Genetics, University of Goettingen
Classification: Uncertain significance for Noonan syndrome 10. Last evaluated: 2024-01-31. Review status: criteria provided, single submitter. Criteria: ACMG Guidelines, 2015. Collection method: clinical testing. Allele origin: unknown. Inheritance: Sporadic. Affected: yes.